The following is an entry in ClinVar:

ClinVar aggregate classification (germline): Uncertain significance (1 of 4 stars; one submission).

Conditions:
EGFR-related lung cancer (EGFR). Identifiers: MedGen CN130014.

Submission:

Labcorp Genetics (formerly Invitae), Labcorp
Classification: Uncertain significance for EGFR-related lung cancer. Last evaluated: 2022-02-08. Review status: criteria provided, single submitter. Criteria: Invitae Variant Classification Sherloc (09022015). Collection method: clinical testing. Allele origin: germline.
Comment: In summary, the available evidence is currently insufficient to determine the role of this variant in disease. Therefore, it has been classified as a Variant of Uncertain Significance. Algorithms developed to predict the effect of missense changes on protein structure and function (SIFT, PolyPhen-2, Align-GVGD) all suggest that this variant is likely to be tolerated. ClinVar contains an entry for this variant (Variation ID: 946517). This variant has not been reported in the literature in individuals affected with EGFR-related conditions. This variant is not present in population databases (gnomAD no frequency). This sequence change replaces isoleucine, which is neutral and non-polar, with lysine, which is basic and polar, at codon 491 of the EGFR protein (p.Ile491Lys).

NM_005228.5(EGFR):c.1472T>A (p.Ile491Lys)

Gene: EGFR (epidermal growth factor receptor; plus strand). Cytogenetic location: 7p11.2.
Variant type: single nucleotide variant.
Coding change: c.1472T>A on transcript NM_005228.5 (MANE Select); coding-DNA position 1472, T replaced by A.
Protein change: p.Ile491Lys; replaces isoleucine 491 with lysine.
Molecular consequence: missense variant.
Genome position (GRCh38, 1-based): chr7:55,160,312, T>A. VCF-style: chr7-55160312-T-A. GRCh37 (hg19) VCF-style: chr7-55228005-T-A.
Other names: c.1337T>A, p.Ile446Lys (NM_001346897.2, NM_001346899.2); c.1472T>A, p.Ile491Lys (NM_001346898.2, NM_201282.2, NM_201284.2); c.1313T>A, p.Ile438Lys (NM_001346900.2); c.671T>A, p.Ile224Lys (NM_001346941.2); short protein forms I491K, I224K, I446K, I438K.
Identifiers: ClinVar variation 946517 (VCV000946517.9), dbSNP rs1584190119, ClinGen allele CA367579684.